The following is an entry in ClinVar:

ClinVar aggregate classification (germline): Uncertain significance. Review status: criteria provided, multiple submitters, no conflicts (2 of 4 stars). 3 submissions from 3 submitters: Uncertain significance (3). Last evaluated 2026-03-29.

Conditions:
Cardiovascular phenotype. Identifiers: MedGen CN230736.
Myofibrillar myopathy 6. Identifiers: Orphanet 199340, MedGen C2751831, MONDO:0013061, OMIM 612954.
Dilated cardiomyopathy 1HH (CMD1HH). Identifiers: Orphanet 154, MedGen C3151293, MONDO:0013479, OMIM 613881.

Allele frequency attached by ClinVar (database versions not stated): TOPMed 0.00001; gnomAD exomes below 0.00001; ExAC 0.00001.
gnomAD v4.1: 2 of 1,614,070 alleles (0.00012%); highest among the groups gnomAD compares: Non-Finnish European, 0.00017%; no homozygotes.

Submissions (3):

Ambry Genetics
Classification: Uncertain significance for Cardiovascular phenotype. Last evaluated: 2026-03-29. Review status: criteria provided, single submitter. Criteria: Ambry Variant Classification Scheme 2023. Collection method: clinical testing. Allele origin: germline.
Comment: The p.S389G variant (also known as c.1165A>G), located in coding exon 4 of the BAG3 gene, results from an A to G substitution at nucleotide position 1165. The serine at codon 389 is replaced by glycine, an amino acid with similar properties. This amino acid position is conserved. In addition, this alteration is predicted to be tolerated by in silico analysis. Based on the available evidence, the clinical significance of this variant remains unclear.

Labcorp Genetics (formerly Invitae), Labcorp
Classification: Uncertain significance for Dilated cardiomyopathy 1HH; Myofibrillar myopathy 6. Last evaluated: 2024-12-17. Review status: criteria provided, single submitter. Criteria: Invitae Variant Classification Sherloc (09022015). Collection method: clinical testing. Allele origin: germline.
Comment: This sequence change replaces serine, which is neutral and polar, with glycine, which is neutral and non-polar, at codon 389 of the BAG3 protein (p.Ser389Gly). This variant is present in population databases (rs752618673, gnomAD 0.0009%). This variant has not been reported in the literature in individuals affected with BAG3-related conditions. ClinVar contains an entry for this variant (Variation ID: 2439469). Invitae Evidence Modeling of protein sequence and biophysical properties (such as structural, functional, and spatial information, amino acid conservation, physicochemical variation, residue mobility, and thermodynamic stability) indicates that this missense variant is not expected to disrupt BAG3 protein function with a negative predictive value of 80%. In summary, the available evidence is currently insufficient to determine the role of this variant in disease. Therefore, it has been classified as a Variant of Uncertain Significance.

Revvity Omics, Revvity
Classification: Uncertain significance. Last evaluated: 2020-10-29. Review status: criteria provided, single submitter. Criteria: ACMG Guidelines, 2015. Collection method: clinical testing. Allele origin: germline.

NM_004281.4(BAG3):c.1165A>G (p.Ser389Gly)

Gene: BAG3 (BAG cochaperone 3; plus strand). Cytogenetic location: 10q26.11.
Variant type: single nucleotide variant.
Coding change: c.1165A>G on transcript NM_004281.4 (MANE Select); coding-DNA position 1165, A replaced by G.
Protein change: p.Ser389Gly; replaces serine 389 with glycine.
Molecular consequence: missense variant.
Genome position (GRCh38, 1-based): chr10:119,676,719, A>G. VCF-style: chr10-119676719-A-G. GRCh37 (hg19) VCF-style: chr10-121436231-A-G.
Other names: short protein forms S389G.
Identifiers: ClinVar variation 2439469 (VCV002439469.7), dbSNP rs752618673, ClinGen allele CA5716501.